The following is an entry in ClinVar:

ClinVar aggregate classification (germline): Uncertain significance (1 of 4 stars; one submission).

Allele frequency attached by ClinVar (database versions not stated): gnomAD 0.00001; gnomAD exomes 0.00001 and 0.00003; TOPMed 0.00002.
gnomAD v4.1: 6 of 1,572,916 alleles (0.00038%); highest among the groups gnomAD compares: Admixed American, 0.0095%; no homozygotes.

Submission:

Labcorp Genetics (formerly Invitae), Labcorp
Classification: Uncertain significance. Last evaluated: 2024-02-17. Review status: criteria provided, single submitter. Criteria: Invitae Variant Classification Sherloc (09022015). Collection method: clinical testing. Allele origin: germline.
Comment: This sequence change replaces serine, which is neutral and polar, with asparagine, which is neutral and polar, at codon 455 of the TUBGCP6 protein (p.Ser455Asn). This variant is present in population databases (no rsID available, gnomAD 0.02%). This variant has not been reported in the literature in individuals affected with TUBGCP6-related conditions. ClinVar contains an entry for this variant (Variation ID: 945646). An algorithm developed to predict the effect of missense changes on protein structure and function (PolyPhen-2) suggests that this variant is likely to be disruptive. In summary, the available evidence is currently insufficient to determine the role of this variant in disease. Therefore, it has been classified as a Variant of Uncertain Significance.

NM_020461.4(TUBGCP6):c.1364G>A (p.Ser455Asn)

Gene: TUBGCP6 (tubulin gamma complex component 6; minus strand). Cytogenetic location: 22q13.33.
Variant type: single nucleotide variant.
Coding change: c.1364G>A on transcript NM_020461.4 (MANE Select); coding-DNA position 1364, G replaced by A.
Protein change: p.Ser455Asn; replaces serine 455 with asparagine.
Molecular consequence: missense variant.
Genome position (GRCh38, 1-based): chr22:50,227,955, C>T on the plus strand (G>A on the coding strand, the complement: TUBGCP6 is on the minus strand). VCF-style: chr22-50227955-C-T. GRCh37 (hg19) VCF-style: chr22-50666384-C-T.
Other names: short protein forms S455N.
Identifiers: ClinVar variation 945646 (VCV000945646.8), dbSNP rs1356094501, ClinGen allele CA412108051.